The following is an entry in ClinVar:

ClinVar aggregate classification (germline): Pathogenic (1 of 4 stars; one submission).

Conditions:
Chédiak-Higashi syndrome (CHS). Also called: Chediak-Higashi Syndrome. Identifiers: Orphanet 167, MedGen C0007965, MONDO:0008963, OMIM 214500.

Submission:

Labcorp Genetics (formerly Invitae), Labcorp
Classification: Pathogenic for Chédiak-Higashi syndrome. Last evaluated: 2025-10-15. Review status: criteria provided, single submitter. Criteria: Invitae Variant Classification Sherloc (09022015). Collection method: clinical testing. Allele origin: germline.
Comment: This sequence change creates a premature translational stop signal (p.Leu823Aspfs*17) in the LYST gene. It is expected to result in an absent or disrupted protein product. Loss-of-function variants in LYST are known to be pathogenic (PMID: 9215679, 11857544). This variant is not present in population databases (gnomAD no frequency). This variant has not been reported in the literature in individuals affected with LYST-related conditions. For these reasons, this variant has been classified as Pathogenic.

Literature cited by the submitters: PubMed 9215679; PubMed 11857544.

NM_000081.4(LYST):c.2467_2468del (p.Leu823fs)

Gene: LYST (lysosomal trafficking regulator; minus strand). Cytogenetic location: 1q42.3.
Variant type: Microsatellite.
Coding change: c.2467_2468del on transcript NM_000081.4 (MANE Select); coding-DNA positions 2467 to 2468, 2 bases deleted (CT; older notation c.2467_2468delCT).
Protein change: p.Leu823fs; shifts the reading frame from leucine 823.
Molecular consequence: frameshift variant.
Genome position (GRCh38, 1-based): chr1:235,806,668-235,806,669, AG deleted on the plus strand (CT on the coding strand, the reverse complement: LYST is on the minus strand); deleting any 2 consecutive bases within chr1:235,806,668-235,806,671 gives the same sequence; the c. name uses the placement nearest the transcript's 3' end. VCF-style (leftmost placement, unchanged base first): chr1-235806667-CAG-C. GRCh37 (hg19) VCF-style: chr1-235969967-CAG-C.
Other names: c.2467_2468del, p.Leu823fs (NM_001301365.1); short protein forms L823fs.
Identifiers: ClinVar variation 4811004 (VCV004811004.1).